The following is an entry in ClinVar:

ClinVar aggregate classification (germline): Likely benign. Review status: criteria provided, single submitter (1 of 4 stars). 2 submissions from 2 submitters: Likely benign (1). 1 of the submissions does not count toward it. Last evaluated 2026-01-18.

Conditions:
OSTM1-related disorder. Also called: OSTM1-related condition.

Allele frequency attached by ClinVar (database versions not stated): gnomAD 0.00001; TOPMed 0.00002; gnomAD exomes 0.00003 and 0.00008; ExAC 0.00006.
gnomAD v4.1: 18 of 1,565,556 alleles (0.0011%); highest among the groups gnomAD compares: Admixed American, 0.033%; no homozygotes.

Submissions (2):

Labcorp Genetics (formerly Invitae), Labcorp
Classification: Likely benign. Last evaluated: 2026-01-18. Review status: criteria provided, single submitter. Criteria: Invitae Variant Classification Sherloc (09022015). Collection method: clinical testing. Allele origin: germline.

PreventionGenetics, part of Exact Sciences
Classification: Likely benign for OSTM1-related condition. Last evaluated: 2019-08-13. Review status: no assertion criteria provided. Collection method: clinical testing. Allele origin: germline. Not counted in ClinVar's aggregate classification.
Comment: This variant is classified as likely benign based on ACMG/AMP sequence variant interpretation guidelines (Richards et al. 2015 PMID: 25741868, with internal and published modifications).

NM_014028.4(OSTM1):c.72G>A (p.Leu24=)

Genes: OSTM1 (osteoclastogenesis associated transmembrane protein 1; minus strand), LOC129996933 (ATAC-STARR-seq lymphoblastoid silent region 17446; plus strand). Cytogenetic location: 6q21.
Variant type: single nucleotide variant.
Coding change: c.72G>A on transcript NM_014028.4 (MANE Select); coding-DNA position 72, G replaced by A.
Protein change: p.Leu24=; no amino-acid change (leucine 24 retained).
Molecular consequence: synonymous variant.
Genome position (GRCh38, 1-based): chr6:108,074,580, C>T on the plus strand (G>A on the coding strand, the complement: OSTM1 is on the minus strand). VCF-style: chr6-108074580-C-T. GRCh37 (hg19) VCF-style: chr6-108395784-C-T.
Other names: c.72G>A (NM_014028.3).
Identifiers: ClinVar variation 1623676 (VCV001623676.12), dbSNP rs770742674, ClinGen allele CA3948138.